The following is an entry in ClinVar:

ClinVar aggregate classification (germline): Uncertain significance. Review status: criteria provided, multiple submitters, no conflicts (2 of 4 stars). 2 submissions from 2 submitters: Uncertain significance (2). Last evaluated 2025-07-31.

Conditions:
Inborn genetic diseases. Identifiers: MedGen C0950123, MeSH D030342.

Allele frequency attached by ClinVar (database versions not stated): gnomAD 0.00007.
gnomAD v4.1: 135 of 1,614,044 alleles (0.0084%); highest among the groups gnomAD compares: South Asian, 0.032%; no homozygotes.

Submissions (2):

Ambry Genetics
Classification: Uncertain significance for Inborn genetic diseases. Last evaluated: 2025-07-31. Review status: criteria provided, single submitter. Criteria: Ambry Variant Classification Scheme 2023. Collection method: clinical testing. Allele origin: germline.

Labcorp Genetics (formerly Invitae), Labcorp
Classification: Uncertain significance. Last evaluated: 2024-10-15. Review status: criteria provided, single submitter. Criteria: Invitae Variant Classification Sherloc (09022015). Collection method: clinical testing. Allele origin: germline.
Comment: This sequence change replaces glutamic acid, which is acidic and polar, with glutamine, which is neutral and polar, at codon 410 of the GPC6 protein (p.Glu410Gln). This variant is present in population databases (rs750083755, gnomAD 0.03%). This variant has not been reported in the literature in individuals affected with GPC6-related conditions. ClinVar contains an entry for this variant (Variation ID: 2354991). Invitae Evidence Modeling of protein sequence and biophysical properties (such as structural, functional, and spatial information, amino acid conservation, physicochemical variation, residue mobility, and thermodynamic stability) indicates that this missense variant is not expected to disrupt GPC6 protein function with a negative predictive value of 80%. In summary, the available evidence is currently insufficient to determine the role of this variant in disease. Therefore, it has been classified as a Variant of Uncertain Significance.

NM_005708.5(GPC6):c.1228G>C (p.Glu410Gln)

Gene: GPC6 (glypican 6; plus strand). Cytogenetic location: 13q31.3.
Variant type: single nucleotide variant.
Coding change: c.1228G>C on transcript NM_005708.5 (MANE Select); coding-DNA position 1228, G replaced by C.
Protein change: p.Glu410Gln; replaces glutamic acid 410 with glutamine.
Molecular consequence: missense variant.
Genome position (GRCh38, 1-based): chr13:94,382,489, G>C. VCF-style: chr13-94382489-G-C. GRCh37 (hg19) VCF-style: chr13-95034743-G-C.
Other names: short protein forms E410Q.
Identifiers: ClinVar variation 2354991 (VCV002354991.4), dbSNP rs750083755, ClinGen allele CA7017122.